The following is an entry in ClinVar:

NM_001289104.2(PRKCSH):c.1461+2T>C

Gene: PRKCSH (PRKCSH beta subunit of glucosidase II; plus strand). Cytogenetic location: 19p13.2.
Variant type: single nucleotide variant.
Coding change: c.1461+2T>C on transcript NM_001289104.2 (MANE Select); the canonical splice donor site of the intron after coding-DNA position 1461, T replaced by C.
Molecular consequence: splice donor variant.
Genome position (GRCh38, 1-based): chr19:11,449,177, T>C. VCF-style: chr19-11449177-T-C. GRCh37 (hg19) VCF-style: chr19-11559992-T-C.
Other names: c.1461+2T>C (NM_001289103.2); c.1431+2T>C (NM_001379609.1, NM_001001329.3, NM_001289102.2); c.1440+2T>C (NM_001379608.1, NM_002743.3).
Identifiers: ClinVar variation 2834862 (VCV002834862.3), dbSNP rs2512543902, ClinGen allele CA404137490.

ClinVar aggregate classification (germline): Uncertain significance (1 of 4 stars; one submission).

Submission:

Labcorp Genetics (formerly Invitae), Labcorp
Classification: Uncertain significance. Last evaluated: 2023-04-12. Review status: criteria provided, single submitter. Criteria: Invitae Variant Classification Sherloc (09022015). Collection method: clinical testing. Allele origin: germline.
Comment: In summary, the available evidence is currently insufficient to determine the role of this variant in disease. Therefore, it has been classified as a Variant of Uncertain Significance. Variants that disrupt the consensus splice site are a relatively common cause of aberrant splicing (PMID: 17576681, 9536098). Algorithms developed to predict the effect of sequence changes on RNA splicing suggest that this variant may disrupt the consensus splice site. This variant has not been reported in the literature in individuals affected with PRKCSH-related conditions. This variant is not present in population databases (gnomAD no frequency). This sequence change affects a donor splice site in intron 16 of the PRKCSH gene. While this variant is not anticipated to result in nonsense mediated decay, it likely alters RNA splicing and results in a disrupted protein product.

Literature cited by the submitters: PubMed 17576681; PubMed 9536098.